The following is an entry in ClinVar:

NM_001083926.2(ASRGL1):c.16G>A (p.Val6Met)

Gene: ASRGL1 (asparaginase and isoaspartyl peptidase 1; plus strand). Cytogenetic location: 11q12.3.
Variant type: single nucleotide variant.
Coding change: c.16G>A on transcript NM_001083926.2 (MANE Select); coding-DNA position 16, G replaced by A.
Protein change: p.Val6Met; replaces valine 6 with methionine.
Molecular consequence: missense variant.
Genome position (GRCh38, 1-based): chr11:62,337,993, G>A. VCF-style: chr11-62337993-G-A. GRCh37 (hg19) VCF-style: chr11-62105465-G-A.
Other names: c.16G>A (NM_001083926.1); c.16G>A, p.Val6Met (NM_025080.4); short protein forms V6M.
Identifiers: ClinVar variation 2980587 (VCV002980587.4), dbSNP rs183580478, ClinGen allele CA222996735.

ClinVar aggregate classification (germline): Uncertain significance. Review status: criteria provided, multiple submitters, no conflicts (2 of 4 stars). 2 submissions from 2 submitters: Uncertain significance (2). Last evaluated 2025-04-28.

Allele frequency attached by ClinVar (database versions not stated): TOPMed below 0.00001; gnomAD 0.00002; 1000 Genomes Project 30x 0.00016; 1000 Genomes Project 0.00020.
gnomAD v4.1: 4 of 1,601,268 alleles (0.00025%); highest among the groups gnomAD compares: East Asian, 0.009%; no homozygotes.

Submissions (2):

Ambry Genetics
Classification: Uncertain significance. Last evaluated: 2025-04-28. Review status: criteria provided, single submitter. Criteria: Ambry Variant Classification Scheme 2023. Collection method: clinical testing. Allele origin: germline.

Labcorp Genetics (formerly Invitae), Labcorp
Classification: Uncertain significance. Last evaluated: 2023-03-04. Review status: criteria provided, single submitter. Criteria: Invitae Variant Classification Sherloc (09022015). Collection method: clinical testing. Allele origin: germline.
Comment: This variant has not been reported in the literature in individuals affected with ASRGL1-related conditions. An algorithm developed to predict the effect of missense changes on protein structure and function (PolyPhen-2) suggests that this variant is likely to be disruptive. In summary, the available evidence is currently insufficient to determine the role of this variant in disease. Therefore, it has been classified as a Variant of Uncertain Significance. This variant is not present in population databases (gnomAD no frequency). This sequence change replaces valine, which is neutral and non-polar, with methionine, which is neutral and non-polar, at codon 6 of the ASRGL1 protein (p.Val6Met).